The following is an entry in ClinVar:

NM_001002295.2(GATA3):c.870C>T (p.Leu290=)

Gene: GATA3 (GATA binding protein 3; plus strand). Cytogenetic location: 10p14.
Variant type: single nucleotide variant.
Coding change: c.870C>T on transcript NM_001002295.2 (MANE Select); coding-DNA position 870, C replaced by T.
Protein change: p.Leu290=; no amino-acid change (leucine 290 retained).
Molecular consequence: synonymous variant.
Genome position (GRCh38, 1-based): chr10:8,064,084, C>T. VCF-style: chr10-8064084-C-T. GRCh37 (hg19) VCF-style: chr10-8106047-C-T.
Other names: c.867C>T, p.Leu289= (NM_002051.3).
Identifiers: ClinVar variation 301126 (VCV000301126.17), dbSNP rs575091, ClinGen allele CA5404486.

ClinVar aggregate classification (germline): Benign/Likely benign. Review status: criteria provided, multiple submitters, no conflicts (2 of 4 stars). 3 submissions from 3 submitters: Benign (1); Likely benign (2). Last evaluated 2025-12-01.

Conditions:
Hypoparathyroidism, deafness, renal disease syndrome (HDRS). Also called: HYPOPARATHYROIDISM, SENSORINEURAL DEAFNESS, AND RENAL DYSPLASIA SYNDROME. Identifiers: Orphanet 2237, MedGen C1840333, MONDO:0007797, OMIM 146255.

Allele frequency attached by ClinVar (database versions not stated): TOPMed 0.00003; gnomAD exomes 0.00004 and 0.00007; gnomAD 0.00007 and 0.00008; ExAC 0.00011; 1000 Genomes Project 30x 0.00016; 1000 Genomes Project 0.00020.
gnomAD v4.1: 63 of 1,614,092 alleles (0.0039%); highest among the groups gnomAD compares: Non-Finnish European, 0.005%; no homozygotes.

Submissions (3):

Labcorp Genetics (formerly Invitae), Labcorp
Classification: Likely benign. Last evaluated: 2025-12-01. Review status: criteria provided, single submitter. Criteria: Invitae Variant Classification Sherloc (09022015). Collection method: clinical testing. Allele origin: germline.

Fulgent Genetics
Classification: Likely benign for Hypoparathyroidism, deafness, renal disease syndrome. Last evaluated: 2021-12-30. Review status: criteria provided, single submitter. Criteria: ACMG Guidelines, 2015. Collection method: clinical testing. Allele origin: unknown.

Illumina Laboratory Services, Illumina
Classification: Benign for Hypoparathyroidism, deafness, renal disease syndrome. Last evaluated: 2018-01-13. Review status: criteria provided, single submitter. Criteria: ICSL Variant Classification Criteria 13 December 2019. Collection method: clinical testing. Allele origin: germline.
Comment: This variant was observed in the ICSL laboratory as part of a predisposition screen in an ostensibly healthy population. It had not been previously curated by ICSL or reported in the Human Gene Mutation Database (HGMD: prior to June 1st, 2018), and was therefore a candidate for classification through an automated scoring system. Utilizing variant allele frequency, disease prevalence and penetrance estimates, and inheritance mode, an automated score was calculated to assess if this variant is too frequent to cause the disease. Based on the score and internal cut-off values, a variant classified as benign is not then subjected to further curation. The score for this variant resulted in a classification of benign for this disease.